The following is an entry in ClinVar:

ClinVar aggregate classification (germline): Pathogenic/Likely pathogenic. Review status: criteria provided, multiple submitters, no conflicts (2 of 4 stars). 21 submissions from 20 submitters: Pathogenic (16); Likely pathogenic (2). 3 of the submissions do not count toward it. Last evaluated 2025-10-20.

Conditions:
Epilepsy syndrome. Also called: Epileptic syndromes; Syndromic epilepsy. Identifiers: Orphanet 166463, MedGen C4505072, MONDO:0015650.
KCNT1-related disorder. Also called: KCNT1-related condition.
Childhood-onset epilepsy syndrome. Identifiers: Orphanet 98259, MedGen C5681526, MONDO:0020072.
Autosomal dominant nocturnal frontal lobe epilepsy 5. Also called: KCNT1-Related Epilepsy; Epilepsy, nocturnal frontal lobe, 5; CILIARY DYSKINESIA, PRIMARY, 28, WITHOUT SITUS INVERSUS; CILIARY DYSKINESIA, PRIMARY, 28, WITH SITUS INVERSUS. Identifiers: Orphanet 98784, MedGen C3554306, MONDO:0014002, OMIM 615005.
Developmental and epileptic encephalopathy, 14 (DEE14). Also called: Early infantile epileptic encephalopathy 14. Identifiers: Orphanet 293181, MedGen C3554195, MONDO:0013989, OMIM 614959.
Seizure. Also called: Seizures. Identifiers: MedGen C0036572, HP:0001250.

Submissions (21):

Victorian Clinical Genetics Services, Murdoch Childrens Research Institute
Classification: Pathogenic for Childhood-onset epilepsy syndrome. Last evaluated: 2025-10-20. Review status: criteria provided, single submitter. Criteria: ACMG Guidelines, 2015. Collection method: clinical testing. Allele origin: germline. Affected: yes.
Comment: This variant is classified as Pathogenic. Evidence in support of pathogenic classification: Variant is absent from gnomAD (v2, v3 and v4); This variant has very strong previous evidence of pathogenicity in unrelated individuals. This variant has been classified as likely pathogenic or pathogenic by at least ten clinical diagnostic laboratories (ClinVar). Additional information: Variant is predicted to result in a missense amino acid change from Arg to Gln; This variant is heterozygous; This gene is associated with autosomal dominant disease; Variant is located in the annotated calcium-activated potassium channel slowpoke-like RCK domain (DECIPHER); Missense variant with inconclusive in silico prediction and uninformative conservation; Gain of function is a known mechanism of disease in this gene and is associated with childhood-onset epilepsy syndrome, KCNT1-related (MONDO:0020072); Variants in this gene are known to have variable expressivity (PMID: 26740507); Inheritance information for this variant is not currently available in this individual.

3billion
Classification: Pathogenic for Developmental and epileptic encephalopathy, 14. Last evaluated: 2025-08-06. Review status: criteria provided, single submitter. Criteria: ACMG Guidelines, 2015. Collection method: clinical testing. Allele origin: germline. Affected: yes.
Comment: The variant is not observed in the gnomAD v4.1.0 dataset. Predicted Consequence/Location: Missense variant. Missense changes are a common disease-causing mechanism. Functional studies provide moderate evidence of the variant having a damaging effect on the gene or gene product (PMID: 24591078). The same nucleotide change resulting in the same amino acid change has been previously reported as pathogenic/likely pathogenic with strong evidence (ClinVar ID: VCV000039599 /PMID: 23086396 /3billion dataset). The variant has been previously reported as de novo in at least two similarly affected unrelated individuals (PMID: 31130284, 32167590). The variant has been observed in multiple (>3) similarly affected unrelated individuals (PMID: 23086396, 25482562, 26122718, 31130284, 31872048, 32167590). The variant has been reported to co-segregate with the disease in at least 5 similarly affected relatives/individuals in the same family or similarly affected unrelated families (PMID: 26122718). A different missense change at the same codon (p.Arg398Leu) has been reported to be associated with KCNT1-related disorder (PMID: 34114611). Therefore, this variant is classified as Pathogenic according to the recommendation of ACMG/AMP guideline.

Labcorp Genetics (formerly Invitae), Labcorp
Classification: Pathogenic for Autosomal dominant nocturnal frontal lobe epilepsy 5; Developmental and epileptic encephalopathy, 14. Last evaluated: 2025-03-23. Review status: criteria provided, single submitter. Criteria: Invitae Variant Classification Sherloc (09022015). Collection method: clinical testing. Allele origin: germline.
Comment: This sequence change replaces arginine, which is basic and polar, with glutamine, which is neutral and polar, at codon 398 of the KCNT1 protein (p.Arg398Gln). This variant is not present in population databases (gnomAD no frequency). This missense change has been observed in individual(s) with autosomal dominant nocturnal frontal lobe epilepsy (ADFLE), malignant migrating partial seizures of infancy (MMPSI), malignant migrating focal seizures of infancy (MMFSI), and focal epilepsy (PMID: 23086396, 25482562, 26122718, 26140313, 26648591). In at least one individual the variant was observed to be de novo. It has also been observed to segregate with disease in related individuals. ClinVar contains an entry for this variant (Variation ID: 39599). Invitae Evidence Modeling of protein sequence and biophysical properties (such as structural, functional, and spatial information, amino acid conservation, physicochemical variation, residue mobility, and thermodynamic stability) indicates that this missense variant is not expected to disrupt KCNT1 protein function with a negative predictive value of 80%. Experimental studies have shown that this missense change affects KCNT1 function (PMID: 24591078). For these reasons, this variant has been classified as Pathogenic.

Department of Neurology, Zibo Changguo Hospital
Classification: Pathogenic for Developmental and epileptic encephalopathy, 14. Last evaluated: 2025-01-08. Review status: criteria provided, single submitter. Criteria: ACMG Guidelines, 2015. Collection method: clinical testing. Allele origin: de novo. Inheritance: Autosomal dominant inheritance. Affected: yes.
Comment: PM6_Very Strong, PS4, PM2_Supporting

Institute of Human Genetics, University of Leipzig Medical Center
Classification: Pathogenic for Developmental and epileptic encephalopathy, 14. Last evaluated: 2024-12-30. Review status: criteria provided, single submitter. Criteria: ACMG Guidelines, 2015. Collection method: clinical testing. Allele origin: unknown. Inheritance: Autosomal dominant inheritance. Affected: yes.
Comment: Criteria applied: PS4,PS2_MOD,PS3_MOD,PM2,PM5

PreventionGenetics, part of Exact Sciences
Classification: Pathogenic for KCNT1-related condition. Last evaluated: 2024-11-26. Review status: criteria provided, single submitter. Criteria: ACMG Guidelines, 2015. Collection method: clinical testing. Allele origin: germline.
Comment: The KCNT1 c.1193G>A variant is predicted to result in the amino acid substitution p.Arg398Gln. This variant has been reported in at least 14 individuals with KCNT1-related epilepsy (see for example, Heron et al. 2012. PubMed ID: 23086396; Kim et al. 2014. PubMed ID: 25482562; Møller et al. 2015. PubMed ID: 26122718; Allen et al. 2016. PubMed ID: 26648591; Barcia et al. 2019. PubMed ID: 31872048) and is documented to have occurred de novo in at least 3 cases (Abdelnour et al. 2018. PubMed ID: 29291456; Monies et al. 2019. PubMed ID: 31130284; Borlot et al. 2020. PubMed ID: 32167590). In vitro experimental studies suggest that this variant impacts protein function (Milligan et al. 2014. PubMed ID: 24591078). This variant has not been reported in a large population database (gnomAD), indicating it is rare or absent in the general population. Taken together, this variant is interpreted as pathogenic.

Cytogénomique, Hospices Civils de Lyon
Classification: Pathogenic for Seizures. Last evaluated: 2024-06-10. Review status: criteria provided, single submitter. Criteria: ACMG Guidelines, 2015. Collection method: clinical testing. Allele origin: unknown. Affected: yes. Observed: 1 variant allele, 1 heterozygote.

Clinical Genetics Laboratory, Skane University Hospital Lund
Classification: Pathogenic. Last evaluated: 2023-09-19. Review status: criteria provided, single submitter. Criteria: ACMG Guidelines, 2015. Collection method: clinical testing. Allele origin: germline. Affected: yes.

Laboratory of Medical Genetics, National & Kapodistrian University of Athens
Classification: Pathogenic for Developmental and epileptic encephalopathy, 14. Last evaluated: 2022-08-24. Review status: criteria provided, single submitter. Criteria: ACMG Guidelines, 2015. Collection method: clinical testing. Allele origin: germline. Affected: yes.
Comment: PM2, PM5, PP5

Mendelics
Classification: Pathogenic for Developmental and epileptic encephalopathy, 14. Last evaluated: 2022-05-04. Review status: criteria provided, single submitter. Criteria: Mendelics Assertion Criteria 2019. Collection method: clinical testing. Allele origin: germline.

Fulgent Genetics
Classification: Pathogenic for Developmental and epileptic encephalopathy, 14; Autosomal dominant nocturnal frontal lobe epilepsy 5. Last evaluated: 2022-03-29. Review status: criteria provided, single submitter. Criteria: ACMG Guidelines, 2015. Collection method: clinical testing. Allele origin: unknown.

GeneDx
Classification: Pathogenic. Last evaluated: 2022-02-01. Review status: criteria provided, single submitter. Criteria: GeneDx Variant Classification Process June 2021. Collection method: clinical testing. Allele origin: germline. Affected: yes.
Comment: Published functional studies demonstrate that R398Q results in a gain of function that causes an increase in current amplitude and altered channel activation and deactivation kinetics (Milligan et al., 2014); Not observed at significant frequency in large population cohorts (gnomAD); In silico analysis supports that this missense variant does not alter protein structure/function; This variant is associated with the following publications: (PMID: 28488083, 24591078, 25482562, 23086396, 26122718, 26648591, 26140313, 31872048, 31130284, 32167590, 31216405, 29291456, 28252636, 33726816)

MGZ Medical Genetics Center
Classification: Likely pathogenic for Autosomal dominant nocturnal frontal lobe epilepsy 5. Last evaluated: 2022-01-04. Review status: criteria provided, single submitter. Criteria: ACMG Guidelines, 2015. Collection method: clinical testing. Allele origin: germline. Affected: yes. Observed: 1 variant allele.
Comment: ACMG criteria applied: PS3_MOD, PS4_MOD, PM6, PM2_SUP

Centre for Inherited Metabolic Diseases, Karolinska University Hospital
Classification: Pathogenic for Epilepsy syndrome. Last evaluated: 2021-04-25. Review status: criteria provided, single submitter. Criteria: ACMG Guidelines, 2015. Collection method: clinical testing. Allele origin: de novo. Inheritance: Autosomal dominant inheritance. Affected: yes. Observed: 1 heterozygote.

Institute of Human Genetics, University of Leipzig Medical Center
Classification: Likely pathogenic for Autosomal dominant nocturnal frontal lobe epilepsy 5. Last evaluated: 2020-09-07. Review status: criteria provided, single submitter. Criteria: ACMG Guidelines, 2015. Collection method: clinical testing. Allele origin: unknown. Affected: yes.

Baylor Genetics
Classification: Pathogenic for Autosomal dominant nocturnal frontal lobe epilepsy 5; Developmental and epileptic encephalopathy, 14. Last evaluated: 2018-10-12. Review status: criteria provided, single submitter. Criteria: ACMG Guidelines, 2015. Collection method: clinical testing. Allele origin: germline. Affected: yes.

Blueprint Genetics
Classification: Pathogenic for KCNT1-related disorders. Last evaluated: 2018-03-07. Review status: criteria provided, single submitter. Criteria: ACMG Guidelines, 2015. Collection method: clinical testing. Allele origin: germline. Affected: yes. Observed: 1 variant allele.

Clinical Genetics Service, Universitary Hospital 12 de Octubre
Classification: Pathogenic for Developmental and epileptic encephalopathy, 14. Review status: criteria provided, single submitter. Criteria: ACMG Guidelines, 2015. Collection method: clinical testing. Allele origin: de novo. Affected: yes.

Oxford Medical Genetics Laboratories, Oxford University Hospitals NHS Foundation Trust
Classification: Pathogenic for Developmental and epileptic encephalopathy, 14. Last evaluated: 2019-05-03. Review status: no assertion criteria provided. Collection method: clinical testing. Allele origin: de novo. Affected: yes. Not counted in ClinVar's aggregate classification.

OMIM
Classification: Pathogenic for EPILEPSY, NOCTURNAL FRONTAL LOBE, 5. Last evaluated: 2012-11-01. Review status: no assertion criteria provided. Collection method: literature only. Allele origin: germline. Not counted in ClinVar's aggregate classification.

GeneReviews
No classification provided. Condition: Autosomal dominant nocturnal frontal lobe epilepsy 5. Review status: no classification provided. Collection method: literature only. Allele origin: germline. Not counted in ClinVar's aggregate classification.

Literature cited by the submitters: PubMed 26740507 (cited by Victorian Clinical Genetics Services, Murdoch Childrens Research Institute); PubMed 24591078 (cited by 3 submitters); PubMed 31872048 (cited by 3billion); PubMed 23086396 (cited by 5 submitters); PubMed 26122718 (cited by 3 submitters); PubMed 31130284 (cited by 3billion); PubMed 32167590 (cited by 3billion); PubMed 34114611 (cited by 3billion); PubMed 25482562 (cited by 3 submitters); PubMed 26140313 (cited by Labcorp Genetics (formerly Invitae), Labcorp); PubMed 26648591 (cited by Labcorp Genetics (formerly Invitae), Labcorp and Baylor Genetics); NCBI Bookshelf NBK1169 (cited by GeneReviews).

NM_020822.3(KCNT1):c.1193G>A (p.Arg398Gln)

Gene: KCNT1 (potassium sodium-activated channel subfamily T member 1; plus strand). Cytogenetic location: 9q34.3.
Variant type: single nucleotide variant.
Coding change: c.1193G>A on transcript NM_020822.3 (MANE Select); coding-DNA position 1193, G replaced by A.
Protein change: p.Arg398Gln; replaces arginine 398 with glutamine.
Molecular consequence: missense variant.
Genome position (GRCh38, 1-based): chr9:135,765,188, G>A. VCF-style: chr9-135765188-G-A. GRCh37 (hg19) VCF-style: chr9-138657034-G-A.
Other names: c.1058G>A, p.Arg353Gln (NM_001272003.2); short protein forms R398Q, R353Q.
Identifiers: ClinVar variation 39599 (VCV000039599.36), dbSNP rs397515407, ClinGen allele CA343804.